The following is an entry in ClinVar:

NM_001134363.3(RBM20):c.137_145dup (p.Pro48_Gln49insProProPro)

Gene: RBM20 (RNA binding motif protein 20; plus strand). Cytogenetic location: 10q25.2.
Variant type: Duplication.
Coding change: c.137_145dup on transcript NM_001134363.3 (MANE Select); coding-DNA positions 137 to 145, 9 bases duplicated (CGCCGCCCC; older notation c.137_145dupCGCCGCCCC).
Protein change: p.Pro48_Gln49insProProPro.
Molecular consequence: inframe insertion.
Genome position (GRCh38, 1-based): chr10:110,644,591-110,644,599, CGCCGCCCC duplicated; duplicating any 9 consecutive bases within chr10:110,644,590-110,644,599 gives the same sequence; the c. name uses the placement nearest the transcript's 3' end. VCF-style (leftmost placement, unchanged base first): chr10-110644589-G-GCCGCCGCCC. GRCh37 (hg19) VCF-style: chr10-112404347-G-GCCGCCGCCC.
Identifiers: ClinVar variation 2822258 (VCV002822258.3), dbSNP rs2493192641, ClinGen allele CA2739276017.

ClinVar aggregate classification (germline): Uncertain significance (1 of 4 stars; one submission).

Conditions:
Dilated cardiomyopathy 1DD (CMD1DD). Identifiers: Orphanet 154, MedGen C2750995, MONDO:0013168, OMIM 613172.

Submission:

Labcorp Genetics (formerly Invitae), Labcorp
Classification: Uncertain significance for Dilated cardiomyopathy 1DD. Last evaluated: 2023-10-04. Review status: criteria provided, single submitter. Criteria: Invitae Variant Classification Sherloc (09022015). Collection method: clinical testing. Allele origin: germline.
Comment: This variant, c.137_145dup, results in the insertion of 3 amino acid(s) of the RBM20 protein (p.Pro46_Pro48dup), but otherwise preserves the integrity of the reading frame. This variant is not present in population databases (gnomAD no frequency). This variant has not been reported in the literature in individuals affected with RBM20-related conditions. In summary, the available evidence is currently insufficient to determine the role of this variant in disease. Therefore, it has been classified as a Variant of Uncertain Significance.